The following is an entry in ClinVar:

NM_144997.7(FLCN):c.578T>A (p.Val193Asp)

Gene: FLCN (folliculin; minus strand). Cytogenetic location: 17p11.2.
Variant type: single nucleotide variant.
Coding change: c.578T>A on transcript NM_144997.7 (MANE Select); coding-DNA position 578, T replaced by A.
Protein change: p.Val193Asp; replaces valine 193 with aspartic acid.
Molecular consequence: missense variant.
Genome position (GRCh38, 1-based): chr17:17,223,962, A>T on the plus strand (T>A on the coding strand, the complement: FLCN is on the minus strand). VCF-style: chr17-17223962-A-T. GRCh37 (hg19) VCF-style: chr17-17127276-A-T.
Other names: c.632T>A, p.Val211Asp (NM_001353229.2); c.578T>A, p.Val193Asp (NM_001353230.2, NM_001353231.2, NM_144606.7); short protein forms V211D, V193D.
Identifiers: ClinVar variation 5021845 (VCV005021845.1).

ClinVar aggregate classification (germline): Uncertain significance (1 of 4 stars; one submission).

Conditions:
Hereditary cancer-predisposing syndrome. Also called: Neoplastic Syndromes, Hereditary; Tumor predisposition; Hereditary neoplastic syndrome; Hereditary Cancer Syndrome. Identifiers: Orphanet 140162, MedGen C0027672, MeSH D009386, MONDO:0015356.

Submission:

Ambry Genetics
Classification: Uncertain significance for Hereditary cancer-predisposing syndrome. Last evaluated: 2026-07-07. Review status: criteria provided, single submitter. Criteria: Ambry Variant Classification Scheme 2023. Collection method: clinical testing. Allele origin: germline.
Comment: The p.V193D variant (also known as c.578T>A), located in coding exon 3 of the FLCN gene, results from a T to A substitution at nucleotide position 578. The valine at codon 193 is replaced by aspartic acid, an amino acid with highly dissimilar properties. This amino acid position is conserved. In addition, the in silico prediction for this alteration is inconclusive. Based on the available evidence, the clinical significance of this variant remains unclear.